The following is an entry in ClinVar:

NM_002335.4(LRP5):c.3977G>A (p.Arg1326His)

Gene: LRP5 (LDL receptor related protein 5; plus strand). Cytogenetic location: 11q13.2.
Variant type: single nucleotide variant.
Coding change: c.3977G>A on transcript NM_002335.4 (MANE Select); coding-DNA position 3977, G replaced by A.
Protein change: p.Arg1326His; replaces arginine 1326 with histidine.
Molecular consequence: missense variant.
Genome position (GRCh38, 1-based): chr11:68,433,815, G>A. VCF-style: chr11-68433815-G-A. GRCh37 (hg19) VCF-style: chr11-68201283-G-A.
Other names: c.2234G>A, p.Arg745His (NM_001291902.2); short protein forms R745H, R1326H.
Identifiers: ClinVar variation 940324 (VCV000940324.8), dbSNP rs368985815, ClinGen allele CA6150173.

ClinVar aggregate classification (germline): Conflicting classifications of pathogenicity. Review status: criteria provided, conflicting classifications (1 of 4 stars). 2 submissions from 2 submitters: Uncertain significance (1); Likely benign (1). Last evaluated 2025-09-22.

Allele frequency attached by ClinVar (database versions not stated): TOPMed 0.00002; gnomAD 0.00004; ExAC 0.00005; gnomAD exomes 0.00005; ESP Exome Variant Server 0.00008.
gnomAD v4.1: 41 of 1,612,374 alleles (0.0025%); highest among the groups gnomAD compares: East Asian, 0.045%; no homozygotes.

Submissions (2):

Labcorp Genetics (formerly Invitae), Labcorp
Classification: Uncertain significance. Last evaluated: 2025-09-22. Review status: criteria provided, single submitter. Criteria: Invitae Variant Classification Sherloc (09022015). Collection method: clinical testing. Allele origin: germline.
Comment: This sequence change replaces arginine, which is basic and polar, with histidine, which is basic and polar, at codon 1326 of the LRP5 protein (p.Arg1326His). This variant is present in population databases (rs368985815, gnomAD 0.04%). This missense change has been observed in individual(s) with familial exudative vitreoretinopathy (PMID: 30452590). ClinVar contains an entry for this variant (Variation ID: 940324). Invitae Evidence Modeling of protein sequence and biophysical properties (such as structural, functional, and spatial information, amino acid conservation, physicochemical variation, residue mobility, and thermodynamic stability) indicates that this missense variant is not expected to disrupt LRP5 protein function with a negative predictive value of 95%. In summary, the available evidence is currently insufficient to determine the role of this variant in disease. Therefore, it has been classified as a Variant of Uncertain Significance.

Blueprint Genetics
Classification: Likely benign. Last evaluated: 2024-11-27. Review status: criteria provided, single submitter. Criteria: ACMG Guidelines, 2015. Collection method: clinical testing. Allele origin: germline.

Literature cited by the submitters: PubMed 30452590 (cited by Labcorp Genetics (formerly Invitae), Labcorp).